The following is an entry in ClinVar:

ClinVar aggregate classification (germline): Uncertain significance (1 of 4 stars; one submission).

Conditions:
Hypotonia, infantile, with psychomotor retardation and characteristic facies 2 (IHPRF2). Also called: UNC80 Deficiency. Identifiers: Orphanet 371364, Orphanet 700333, MedGen C4225203, MONDO:0014777, OMIM 616801.
Inborn genetic diseases. Identifiers: MedGen C0950123, MeSH D030342.

Submission:

Ambry Genetics
Classification: Uncertain significance for Inborn genetic diseases. Last evaluated: 2025-02-18. Review status: criteria provided, single submitter. Criteria: Ambry Variant Classification Scheme 2023. Collection method: clinical testing. Allele origin: germline.

NM_001371986.1(UNC80):c.2287G>A (p.Gly763Ser)

Gene: UNC80 (unc-80 subunit of NALCN channel complex; plus strand). Cytogenetic location: 2q34.
Variant type: single nucleotide variant.
Coding change: c.2287G>A on transcript NM_001371986.1 (MANE Select); coding-DNA position 2287, G replaced by A.
Protein change: p.Gly763Ser; replaces glycine 763 with serine.
Molecular consequence: missense variant.
Genome position (GRCh38, 1-based): chr2:209,820,635, G>A. VCF-style: chr2-209820635-G-A. GRCh37 (hg19) VCF-style: chr2-210685359-G-A.
Other names: c.2287G>A, p.Gly763Ser (NM_032504.2, NM_182587.4); short protein forms G763S.
Identifiers: ClinVar variation 2505079 (VCV002505079.3), dbSNP rs2470971020, ClinGen allele CA350137049.
Genomic context (GRCh38, chr2:209,820,635, plus strand): 5'-GAAGAAGGAGGAGGTGGAGATGGAGGAGGTGGAGGAGGTGATGGAGGAGGAGGTGGAGGA[G>A]GTGGAGGCGGCCCTTATGAGAAGAATGATAAGAACCAAGAGAAGGTATGACTGAACCACC-3'
Protein context (NP_001358915.1, residues 753-773): GGGDGGGGGG[Gly763Ser]GGGPYEKNDK